The following is an entry in ClinVar:

ClinVar aggregate classification (germline): Benign (1 of 4 stars; one submission).

Allele frequency attached by ClinVar (database versions not stated): TOPMed 0.75190; 1000 Genomes Project 30x 0.78966; 1000 Genomes Project 0.79992; gnomAD exomes 0.84423.
gnomAD v4.1: 591,677 of 715,390 alleles (83%); highest among the groups gnomAD compares: East Asian, 98%; 248,153 homozygotes.

Submission:

Unidad de Genómica Garrahan, Hospital de Pediatría Garrahan
Classification: Benign. Last evaluated: 2024-01-24. Review status: criteria provided, single submitter. Criteria: ACMG Guidelines, 2015. Collection method: clinical testing. Allele origin: germline. Affected: no. Observed: 21 variant alleles.
Comment: This variant is classified as Benign based on local population frequency. This variant was detected in 22% of patients studied by a panel of primary immunodeficiencies. Number of patients: 21. Only high quality variants are reported.

NM_022047.4(DEF6):c.808-125G>C

Gene: DEF6 (DEF6 guanine nucleotide exchange factor; plus strand). Cytogenetic location: 6p21.31.
Variant type: single nucleotide variant.
Coding change: c.808-125G>C on transcript NM_022047.4 (MANE Select); 125 bases into the intron before coding-DNA position 808, G replaced by C.
Molecular consequence: intron variant.
Genome position (GRCh38, 1-based): chr6:35,317,766, G>C. VCF-style: chr6-35317766-G-C. GRCh37 (hg19) VCF-style: chr6-35285543-G-C.
Identifiers: ClinVar variation 2688330 (VCV002688330.2), dbSNP rs6937088, ClinGen allele CA12267172.